The following is an entry in ClinVar:

ClinVar aggregate classification (germline): Uncertain significance (1 of 4 stars; one submission).

Conditions:
Dilated cardiomyopathy 1II (CMD1II). Identifiers: Orphanet 154, MedGen C3554649, MONDO:0014073, OMIM 615184.

Submission:

Labcorp Genetics (formerly Invitae), Labcorp
Classification: Uncertain significance for Dilated cardiomyopathy 1II. Last evaluated: 2025-01-27. Review status: criteria provided, single submitter. Criteria: Invitae Variant Classification Sherloc (09022015). Collection method: clinical testing. Allele origin: germline.
Comment: This sequence change results in a frameshift in the CRYAB gene (p.Pro167Serfs*17). While this is not anticipated to result in nonsense mediated decay, it is expected to disrupt the last 9 amino acid(s) of the CRYAB protein and extend the protein by 7 additional amino acid residues. This variant is not present in population databases (gnomAD no frequency). This variant has not been reported in the literature in individuals affected with CRYAB-related conditions. ClinVar contains an entry for this variant (Variation ID: 2022473). Experimental studies and prediction algorithms are not available or were not evaluated, and the functional significance of this variant is currently unknown. In summary, the available evidence is currently insufficient to determine the role of this variant in disease. Therefore, it has been classified as a Variant of Uncertain Significance.

NM_001289808.2(CRYAB):c.499_505del (p.Pro167fs)

Gene: CRYAB (crystallin alpha B; minus strand). Cytogenetic location: 11q23.1.
Variant type: Deletion.
Coding change: c.499_505del on transcript NM_001289808.2 (MANE Select); coding-DNA positions 499 to 505, 7 bases deleted (CCTGCTG; older notation c.499_505delCCTGCTG).
Protein change: p.Pro167fs; shifts the reading frame from proline 167.
Molecular consequence: frameshift variant.
Genome position (GRCh38, 1-based): chr11:111,908,787-111,908,793, CAGCAGG deleted on the plus strand (CCTGCTG on the coding strand, the reverse complement: CRYAB is on the minus strand); deleting any 7 consecutive bases within chr11:111,908,787-111,908,794 gives the same sequence; the c. name uses the placement nearest the transcript's 3' end. VCF-style (leftmost placement, unchanged base first): chr11-111908786-ACAGCAGG-A. GRCh37 (hg19) VCF-style: chr11-111779510-ACAGCAGG-A.
Other names: c.499_505del, p.Pro167fs (NM_001289807.1, NM_001368245.1, NM_001885.3); c.298_304del, p.Pro100fs (NM_001330379.1, NM_001368246.1); short protein forms P100fs, P167fs.
Identifiers: ClinVar variation 2022473 (VCV002022473.4), dbSNP rs2497874678, ClinGen allele CA2580083251.